The following is an entry in ClinVar:

ClinVar aggregate classification (germline): Benign (1 of 4 stars; one submission).

Allele frequency attached by ClinVar (database versions not stated): 1000 Genomes Project 0.00519; 1000 Genomes Project 30x 0.00531; gnomAD 0.00757; TOPMed 0.00856; gnomAD exomes 0.00959.
gnomAD v4.1: 3,583 of 398,638 alleles (0.9%); highest among the groups gnomAD compares: Middle Eastern, 5.2%; 32 homozygotes.

Submission:

CeGaT Center for Human Genetics Tuebingen
Classification: Benign. Last evaluated: 2022-12-01. Review status: criteria provided, single submitter. Criteria: CeGaT Center For Human Genetics Tuebingen Variant Classification Criteria Version 2. Collection method: clinical testing. Allele origin: germline. Affected: yes. Observed: 1 variant allele.
Comment: MIAT: BS1, BS2; MIATNB: BS1, BS2

NR_033320.3(MIAT):n.7816T>C

Genes: MIAT (myocardial infarction associated transcript; plus strand), MIATNB (MIAT neighbor; plus strand). Cytogenetic location: 22q12.1.
Variant type: single nucleotide variant.
Molecular consequence: non-coding transcript variant (on NR_033320.3).
Genome position: GRCh38 VCF-style: chr22-26674290-T-C. GRCh37 (hg19) VCF-style: chr22-27070253-T-C.
Identifiers: ClinVar variation 2653011 (VCV002653011.24), dbSNP rs737766, ClinGen allele CA322671134.